The following is an entry in ClinVar:

ClinVar aggregate classification (germline): Pathogenic (1 of 4 stars; one submission).

Conditions:
Intellectual disability, X-linked, with or without seizures, ARX-related. Also called: INTELLECTUAL DEVELOPMENTAL DISORDER, X-LINKED 29; MENTAL RETARDATION, X-LINKED 29; MENTAL RETARDATION, X-LINKED 32; MENTAL RETARDATION, X-LINKED 33; MENTAL RETARDATION, X-LINKED 38; MENTAL RETARDATION, X-LINKED 43. Identifiers: Orphanet 777, MedGen C0796244, MONDO:0010317, OMIM 300419.
Developmental and epileptic encephalopathy, 1 (DEE1). Also called: X-linked infantile spasms; West's syndrome; Tonic spasms with clustering, arrest of psychomotor development and hypsarrhythmia on EEG; X-Linked Infantile Spasm Syndrome; OHTAHARA SYNDROME, X-LINKED; INFANTILE SPASM SYNDROME, X-LINKED 1. Identifiers: MedGen C3463992, MONDO:0010632, OMIM 308350. Disease mechanism: loss of function.

Submission:

Labcorp Genetics (formerly Invitae), Labcorp
Classification: Pathogenic for Developmental and epileptic encephalopathy, 1; Intellectual disability, X-linked, with or without seizures, ARX-related. Last evaluated: 2020-07-10. Review status: criteria provided, single submitter. Criteria: Invitae Variant Classification Sherloc (09022015). Collection method: clinical testing. Allele origin: germline.
Comment: For these reasons, this variant has been classified as Pathogenic. This variant disrupts the C-terminus of the ARX protein. Other variant(s) that disrupt this region (p.Arg527Alafs*5) have been determined to be pathogenic (PMID: 31623504). This suggests that variants that disrupt this region of the protein are likely to be causative of disease. This variant has not been reported in the literature in individuals with ARX-related conditions. The frequency data for this variant in the population databases is considered unreliable, as metrics indicate insufficient coverage at this position in the ExAC database. This sequence change results in a premature translational stop signal in the ARX gene (p.Arg527*). While this is not anticipated to result in nonsense mediated decay, it is expected to disrupt the last 36 amino acids of the ARX protein.

Literature cited by the submitters: PubMed 31623504.

NM_139058.3(ARX):c.1579A>T (p.Arg527Ter)

Gene: ARX (aristaless related homeobox; minus strand). Cytogenetic location: Xp21.3.
Variant type: single nucleotide variant.
Coding change: c.1579A>T on transcript NM_139058.3 (MANE Select); coding-DNA position 1579, A replaced by T.
Protein change: p.Arg527Ter; replaces arginine 527 with a stop codon.
Molecular consequence: nonsense.
Genome position (GRCh38, 1-based): chrX:25,004,780, T>A on the plus strand (A>T on the coding strand, the complement: ARX is on the minus strand). VCF-style: chrX-25004780-T-A. GRCh37 (hg19) VCF-style: chrX-25022897-T-A.
Other names: short protein forms R527*.
Identifiers: ClinVar variation 663628 (VCV000663628.9), dbSNP rs1601945626, ClinGen allele CA412610720.